The following is an entry in ClinVar:

NM_000481.4(AMT):c.845C>T (p.Thr282Ile)

Gene: AMT (aminomethyltransferase; minus strand). Cytogenetic location: 3p21.31.
Variant type: single nucleotide variant.
Coding change: c.845C>T on transcript NM_000481.4 (MANE Select); coding-DNA position 845, C replaced by T.
Protein change: p.Thr282Ile; replaces threonine 282 with isoleucine.
Molecular consequence: missense variant. On other transcripts: non-coding transcript variant (1).
Genome position (GRCh38, 1-based): chr3:49,419,003, G>A on the plus strand (C>T on the coding strand, the complement: AMT is on the minus strand). VCF-style: chr3-49419003-G-A. GRCh37 (hg19) VCF-style: chr3-49456436-G-A.
Other names: c.713C>T, p.Thr238Ile (NM_001164710.2); c.677C>T, p.Thr226Ile (NM_001164711.2); c.845C>T, p.Thr282Ile (NM_001164712.2); short protein forms T226I, T282I, T238I.
Identifiers: ClinVar variation 2734535 (VCV002734535.6), dbSNP rs2049050015, ClinGen allele CA352789720.
Genomic context (GRCh38, chr3:49,419,003, plus strand): 5'-CCTATCCTTTAGTGCTGGCCCAGCTCACCCAGTGTCCAACTGAGGCTGCCCTCCACAGGT[G>A]TAGTGTGTTCATCAATGTCATTCCCATACAGGCAGAGGCCTGCCTCCAGGCGCAGGCTGT-3'
Protein context (NP_000472.2, residues 272-292): LYGNDIDEHT[Thr282Ile]PVEGSLSWTL

ClinVar aggregate classification (germline): Conflicting classifications of pathogenicity. Review status: criteria provided, conflicting classifications (1 of 4 stars). 2 submissions from 2 submitters: Pathogenic (1); Uncertain significance (1). Last evaluated 2025-10-13.

Conditions:
Glycine encephalopathy. Also called: Nonketotic hyperglycinemia; Non-ketotic hyperglycinemia. Identifiers: Orphanet 407, MedGen C0751748, MONDO:0011612, HP:0008288.

Allele frequency attached by ClinVar (database versions not stated): gnomAD 0.00001.

Submissions (2):

Women's Health and Genetics/Laboratory Corporation of America, LabCorp
Classification: Uncertain significance. Last evaluated: 2025-10-13. Review status: criteria provided, single submitter. Criteria: LabCorp Variant Classification Summary - May 2015. Collection method: clinical testing. Allele origin: germline.
Comment: Variant summary: AMT c.845C>T (p.Thr282Ile) results in a non-conservative amino acid change located in the Aminomethyltransferase folate-binding domain (IPR006222) of the encoded protein sequence. Algorithms developed to predict the effect of missense changes on protein structure and function all suggest that this variant is likely to be disruptive. The variant was absent in 251340 control chromosomes. The available data on variant occurrences in the general population are insufficient to allow any conclusion about variant significance. c.845C>T has been observed in an individual affected with Glycine Encephalopathy (Non-Ketotic Hyperglycinemia) (Swanson_2015). These data do not allow any conclusion about variant significance. To our knowledge, no experimental evidence demonstrating an impact on protein function has been reported. The following publications have been ascertained in the context of this evaluation (PMID: 27362913, 26179960). ClinVar contains an entry for this variant (Variation ID: 2734535). Based on the evidence outlined above, the variant was classified as uncertain significance.

Labcorp Genetics (formerly Invitae), Labcorp
Classification: Pathogenic for Glycine encephalopathy. Last evaluated: 2025-01-16. Review status: criteria provided, single submitter. Criteria: Invitae Variant Classification Sherloc (09022015). Collection method: clinical testing. Allele origin: germline.
Comment: This sequence change replaces threonine, which is neutral and polar, with isoleucine, which is neutral and non-polar, at codon 282 of the AMT protein (p.Thr282Ile). This variant is not present in population databases (gnomAD no frequency). This missense change has been observed in individual(s) with nonketotic hyperglycinemia (PMID: 26179960). In at least one individual the data is consistent with being in trans (on the opposite chromosome) from a pathogenic variant. ClinVar contains an entry for this variant (Variation ID: 2734535). Invitae Evidence Modeling of protein sequence and biophysical properties (such as structural, functional, and spatial information, amino acid conservation, physicochemical variation, residue mobility, and thermodynamic stability) indicates that this missense variant is expected to disrupt AMT protein function with a positive predictive value of 95%. For these reasons, this variant has been classified as Pathogenic.

Literature cited by the submitters: PubMed 26179960 (cited by Women's Health and Genetics/Laboratory Corporation of America, LabCorp and Labcorp Genetics (formerly Invitae), Labcorp); PubMed 27362913 (cited by Women's Health and Genetics/Laboratory Corporation of America, LabCorp).